The following is an entry in ClinVar:

NM_022081.6(HPS4):c.91G>A (p.Asp31Asn)

Gene: HPS4 (HPS4 biogenesis of lysosomal organelles complex 3 subunit 2; minus strand). Cytogenetic location: 22q12.1.
Variant type: single nucleotide variant.
Coding change: c.91G>A on transcript NM_022081.6 (MANE Select); coding-DNA position 91, G replaced by A.
Protein change: p.Asp31Asn; replaces aspartic acid 31 with asparagine.
Molecular consequence: missense variant. On other transcripts: non-coding transcript variant (8).
Genome position (GRCh38, 1-based): chr22:26,479,306, C>T on the plus strand (G>A on the coding strand, the complement: HPS4 is on the minus strand). VCF-style: chr22-26479306-C-T. GRCh37 (hg19) VCF-style: chr22-26875272-C-T.
Other names: c.91G>A (NM_022081.4); c.91G>A, p.Asp31Asn (NM_001349896.1, NM_001349898.2, NM_001349899.2 and 7 more transcripts); c.76G>A, p.Asp26Asn (NM_152841.2); short protein forms D31N, D26N.
Identifiers: ClinVar variation 1974982 (VCV001974982.6), dbSNP rs369457259, ClinGen allele CA322857481.

ClinVar aggregate classification (germline): Uncertain significance. Review status: criteria provided, multiple submitters, no conflicts (2 of 4 stars). 2 submissions from 2 submitters: Uncertain significance (2). Last evaluated 2025-08-27.

Conditions:
Inborn genetic diseases. Identifiers: MedGen C0950123, MeSH D030342.

Allele frequency attached by ClinVar (database versions not stated): gnomAD 0.00001; TOPMed 0.00001; ESP Exome Variant Server 0.00008.
gnomAD v4.1: 5 of 1,613,970 alleles (0.00031%); highest among the groups gnomAD compares: Non-Finnish European, 0.00042%; no homozygotes.

Submissions (2):

Ambry Genetics
Classification: Uncertain significance for Inborn genetic diseases. Last evaluated: 2025-08-27. Review status: criteria provided, single submitter. Criteria: Ambry Variant Classification Scheme 2023. Collection method: clinical testing. Allele origin: germline.

Labcorp Genetics (formerly Invitae), Labcorp
Classification: Uncertain significance. Last evaluated: 2023-11-27. Review status: criteria provided, single submitter. Criteria: Invitae Variant Classification Sherloc (09022015). Collection method: clinical testing. Allele origin: germline.
Comment: This sequence change replaces aspartic acid, which is acidic and polar, with asparagine, which is neutral and polar, at codon 31 of the HPS4 protein (p.Asp31Asn). This variant is present in population databases (rs369457259, gnomAD 0.0009%). This variant has not been reported in the literature in individuals affected with HPS4-related conditions. ClinVar contains an entry for this variant (Variation ID: 1974982). An algorithm developed to predict the effect of missense changes on protein structure and function (PolyPhen-2) suggests that this variant is likely to be disruptive. In summary, the available evidence is currently insufficient to determine the role of this variant in disease. Therefore, it has been classified as a Variant of Uncertain Significance.